The following is an entry in ClinVar:

NM_201548.5(CERKL):c.1539-27_1550inv

Genes: CERKL (CERK like autophagy regulator; minus strand), ITGA4 (integrin subunit alpha 4; plus strand). Cytogenetic location: 2q31.3.
Variant type: Inversion.
Coding change: c.1539-27_1550inv on transcript NM_201548.5 (MANE Select).
Molecular consequence: splice acceptor variant. On other transcripts: 3 prime UTR variant (1).
Genome position: GRCh38: chr2:181,538,233-181,538,271. GRCh37 (hg19): chr2:182,402,960-182,402,998.
Other names: c.*2706_*2744inv (NM_000885.6); c.1200-27_1211inv (NM_001030312.3); c.1485-27_1496inv (NM_001160277.2); c.1332-27_1343inv (NM_001030313.3); c.1617-27_1628inv (NM_001030311.3).
Identifiers: ClinVar variation 1474028 (VCV001474028.8), ClinGen allele CA2573134024.
Genomic context (GRCh38, chr2:181,538,233, plus strand): 5'-ACAATTACATGTTACTTTGGAATCATTTCTTCCATGCTTCCTCCATAAAGACTGATAAGT[CTTGGATGCAATCTGTAAAGAAAATACATTATTTCATCA>TGATGAAATAATGTATTTTCTTTACAGATTGCATCCAAG]ACTTATTTTGTTGTTTTTCACATACACCTAATAAGTATGGTACACAATGCCAATGCCAAA-3'

ClinVar aggregate classification (germline): Conflicting classifications of pathogenicity. Review status: criteria provided, conflicting classifications (1 of 4 stars). 2 submissions from 2 submitters: Likely pathogenic (1); Uncertain significance (1). Last evaluated 2025-01-16.

Submissions (2):

GeneDx
Classification: Likely pathogenic. Last evaluated: 2025-01-16. Review status: criteria provided, single submitter. Criteria: GeneDx Variant Classification Process June 2021. Collection method: clinical testing. Allele origin: germline. Affected: yes.
Comment: Canonical splice site variant predicted to result in a null allele in a gene for which loss-of-function is a known mechanism of disease; Not observed at significant frequency in large population cohorts (gnomAD); Has not been previously published as pathogenic or benign to our knowledge

Labcorp Genetics (formerly Invitae), Labcorp
Classification: Uncertain significance. Last evaluated: 2024-02-20. Review status: criteria provided, single submitter. Criteria: Invitae Variant Classification Sherloc (09022015). Collection method: clinical testing. Allele origin: germline.
Comment: This variant results in the deletion of part of exon 14 (c.1617-27_1628delins39) of the CERKL gene. While this variant is not anticipated to result in nonsense mediated decay, it likely alters RNA splicing and results in a disrupted protein product. This variant is not present in population databases (gnomAD no frequency). This variant has not been reported in the literature in individuals affected with CERKL-related conditions. ClinVar contains an entry for this variant (Variation ID: 1474028). Variants that disrupt the consensus splice site are a relatively common cause of aberrant splicing (PMID: 17576681, 9536098). In summary, the available evidence is currently insufficient to determine the role of this variant in disease. Therefore, it has been classified as a Variant of Uncertain Significance.

Literature cited by the submitters: PubMed 17576681 (cited by Labcorp Genetics (formerly Invitae), Labcorp); PubMed 9536098 (cited by Labcorp Genetics (formerly Invitae), Labcorp).